The following is an entry in ClinVar:

ClinVar aggregate classification (germline): Uncertain significance. Review status: criteria provided, multiple submitters, no conflicts (2 of 4 stars). 2 submissions from 2 submitters: Uncertain significance (2). Last evaluated 2026-01-12.

Allele frequency attached by ClinVar (database versions not stated): ExAC 0.00013; ESP Exome Variant Server 0.00015; TOPMed 0.00015; gnomAD 0.00020 and 0.00022.
gnomAD v4.1: 529 of 1,607,958 alleles (0.033%); highest among the groups gnomAD compares: Non-Finnish European, 0.043%; no homozygotes.

Submissions (2):

Labcorp Genetics (formerly Invitae), Labcorp
Classification: Uncertain significance. Last evaluated: 2026-01-12. Review status: criteria provided, single submitter. Criteria: Invitae Variant Classification Sherloc (09022015). Collection method: clinical testing. Allele origin: germline.
Comment: This sequence change replaces arginine, which is basic and polar, with histidine, which is basic and polar, at codon 76 of the TNFRSF6B protein (p.Arg76His). This variant is present in population databases (rs371940556, gnomAD 0.02%). This variant has not been reported in the literature in individuals affected with TNFRSF6B-related conditions. ClinVar contains an entry for this variant (Variation ID: 1017427). An algorithm developed to predict the effect of missense changes on protein structure and function outputs the following: PolyPhen-2: "Benign". The histidine amino acid residue is found in multiple mammalian species, which suggests that this missense change does not adversely affect protein function. In summary, the available evidence is currently insufficient to determine the role of this variant in disease. Therefore, it has been classified as a Variant of Uncertain Significance.

Ambry Genetics
Classification: Uncertain significance. Last evaluated: 2025-10-30. Review status: criteria provided, single submitter. Criteria: Ambry Variant Classification Scheme 2023. Collection method: clinical testing. Allele origin: germline.

NM_003823.4(TNFRSF6B):c.227G>A (p.Arg76His)

Genes: RTEL1-TNFRSF6B (RTEL1-TNFRSF6B readthrough (NMD candidate); plus strand), TNFRSF6B (TNF receptor superfamily member 6b; plus strand). Cytogenetic location: 20q13.33.
Variant type: single nucleotide variant.
Coding change: c.227G>A on transcript NM_003823.4 (MANE Select); coding-DNA position 227, G replaced by A.
Protein change: p.Arg76His; replaces arginine 76 with histidine.
Molecular consequence: missense variant. On other transcripts: non-coding transcript variant (1).
Genome position (GRCh38, 1-based): chr20:63,696,994, G>A. VCF-style: chr20-63696994-G-A. GRCh37 (hg19) VCF-style: chr20-62328347-G-A.
Other names: c.227G>A (NM_003823.3); short protein forms R76H.
Identifiers: ClinVar variation 1017427 (VCV001017427.9), dbSNP rs371940556, ClinGen allele CA9966374.